The following is an entry in ClinVar:

ClinVar aggregate classification (germline): Benign/Likely benign. Review status: criteria provided, multiple submitters, no conflicts (2 of 4 stars). 5 submissions from 5 submitters: Benign (4); Likely benign (1). Last evaluated 2025-10-22.

Conditions:
Cerebral arteriopathy, autosomal dominant, with subcortical infarcts and leukoencephalopathy, type 1 (CADASIL1). Also called: CADASIL 1; DEMENTIA, HEREDITARY MULTIINFARCT TYPE; CASIL; Cerebral arteriopathy with subcortical infarcts and leukoencephalopathy 1. Identifiers: Orphanet 136, MedGen C4551768, MONDO:0000914, OMIM 125310.

Allele frequency attached by ClinVar (database versions not stated): gnomAD exomes 0.00009 and 0.00017; TOPMed 0.00010; gnomAD 0.00013 and 0.00014; ESP Exome Variant Server 0.00015; ExAC 0.00016; 1000 Genomes Project 0.00020; 1000 Genomes Project 30x 0.00031.
gnomAD v4.1: 145 of 1,614,110 alleles (0.009%); highest among the groups gnomAD compares: East Asian, 0.22%; no homozygotes.

Submissions (5):

Labcorp Genetics (formerly Invitae), Labcorp
Classification: Benign. Last evaluated: 2025-10-22. Review status: criteria provided, single submitter. Criteria: Invitae Variant Classification Sherloc (09022015). Collection method: clinical testing. Allele origin: germline.

Mayo Clinic Laboratories, Mayo Clinic
Classification: Benign. Last evaluated: 2025-07-21. Review status: criteria provided, single submitter. Criteria: ACMG Guidelines, 2015. Collection method: clinical testing. Allele origin: germline. Observed: 1 variant allele.
Comment: BS1, BS2, BP4, BP7

Blueprint Genetics
Classification: Likely benign. Last evaluated: 2023-09-06. Review status: criteria provided, single submitter. Criteria: ACMG Guidelines, 2015. Collection method: clinical testing. Allele origin: germline.

Athena Diagnostics
Classification: Benign. Last evaluated: 2018-11-26. Review status: criteria provided, single submitter. Criteria: Athena Diagnostics Criteria. Collection method: clinical testing. Allele origin: germline.

Illumina Laboratory Services, Illumina
Classification: Benign for Cerebral arteriopathy, autosomal dominant, with subcortical infarcts and leukoencephalopathy, type 1. Last evaluated: 2018-01-12. Review status: criteria provided, single submitter. Criteria: ICSL Variant Classification Criteria 13 December 2019. Collection method: clinical testing. Allele origin: germline.
Comment: This variant was observed in the ICSL laboratory as part of a predisposition screen in an ostensibly healthy population. It had not been previously curated by ICSL or reported in the Human Gene Mutation Database (HGMD: prior to June 1st, 2018), and was therefore a candidate for classification through an automated scoring system. Utilizing variant allele frequency, disease prevalence and penetrance estimates, and inheritance mode, an automated score was calculated to assess if this variant is too frequent to cause the disease. Based on the score and internal cut-off values, a variant classified as benign is not then subjected to further curation. The score for this variant resulted in a classification of benign for this disease.

NM_000435.3(NOTCH3):c.1677C>T (p.Cys559=)

Gene: NOTCH3 (notch receptor 3; minus strand). Cytogenetic location: 19p13.12.
Variant type: single nucleotide variant.
Coding change: c.1677C>T on transcript NM_000435.3 (MANE Select); coding-DNA position 1677, C replaced by T.
Protein change: p.Cys559=; no amino-acid change (cysteine 559 retained).
Molecular consequence: synonymous variant.
Genome position (GRCh38, 1-based): chr19:15,187,268, G>A on the plus strand (C>T on the coding strand, the complement: NOTCH3 is on the minus strand). VCF-style: chr19-15187268-G-A. GRCh37 (hg19) VCF-style: chr19-15298079-G-A.
Other names: p.Cys559=.
Identifiers: ClinVar variation 804623 (VCV000804623.11), dbSNP rs113216024, ClinGen allele CA9263581.